The following is an entry in ClinVar:

ClinVar aggregate classification (germline): Uncertain significance. Review status: criteria provided, multiple submitters, no conflicts (2 of 4 stars). 2 submissions from 2 submitters: Uncertain significance (2). Last evaluated 2025-08-01.

Allele frequency attached by ClinVar (database versions not stated): TOPMed below 0.00001.
gnomAD v4.1: 10 of 1,559,832 alleles (0.00064%); highest among the groups gnomAD compares: Non-Finnish European, 0.00087%; no homozygotes.

Submissions (2):

GeneDx
Classification: Uncertain significance. Last evaluated: 2025-08-01. Review status: criteria provided, single submitter. Criteria: GeneDx Variant Classification Process June 2021. Collection method: clinical testing. Allele origin: germline. Affected: yes.
Comment: Not observed at significant frequency in large population cohorts (gnomAD); In silico analysis suggests that this missense variant does not alter protein structure/function; Has not been previously published as pathogenic or benign to our knowledge

Ambry Genetics
Classification: Uncertain significance. Last evaluated: 2025-06-09. Review status: criteria provided, single submitter. Criteria: Ambry Variant Classification Scheme 2023. Collection method: clinical testing. Allele origin: germline.

NM_017827.4(SARS2):c.650A>C (p.Gln217Pro)

Gene: SARS2 (seryl-tRNA synthetase 2, mitochondrial; minus strand). Cytogenetic location: 19q13.2.
Variant type: single nucleotide variant.
Coding change: c.650A>C on transcript NM_017827.4 (MANE Select); coding-DNA position 650, A replaced by C.
Protein change: p.Gln217Pro; replaces glutamine 217 with proline.
Molecular consequence: missense variant.
Genome position (GRCh38, 1-based): chr19:38,920,089, T>G on the plus strand (A>C on the coding strand, the complement: SARS2 is on the minus strand). VCF-style: chr19-38920089-T-G. GRCh37 (hg19) VCF-style: chr19-39410729-T-G.
Other names: c.656A>C, p.Gln219Pro (NM_001145901.2); short protein forms Q217P, Q219P.
Identifiers: ClinVar variation 2501528 (VCV002501528.3), dbSNP rs1974492350, ClinGen allele CA405737969.
Genomic context (GRCh38, chr19:38,920,089, plus strand): 5'-GCTGTCGGGGTGCAGGCAGCTGGGAGAGGGGCGTGGGGAGCCAGGGGAGGGGCTCACTTC[T>G]GACGGATGATGTCGAGTTTCTCGCCAATTTCCAGGTGGCCCCGAGGTTGGAAGGAGAAAA-3'
Protein context (NP_060297.1, residues 207-227): EIGEKLDIIR[Gln217Pro]KRLSHVSGHR